The following is an entry in ClinVar:

NM_001232.4(CASQ2):c.1046A>T (p.Asp349Val)

Gene: CASQ2 (calsequestrin 2; minus strand). Cytogenetic location: 1p13.1.
Variant type: single nucleotide variant.
Coding change: c.1046A>T on transcript NM_001232.4 (MANE Select); coding-DNA position 1046, A replaced by T.
Protein change: p.Asp349Val; replaces aspartic acid 349 with valine.
Molecular consequence: missense variant.
Genome position (GRCh38, 1-based): chr1:115,701,395, T>A on the plus strand (A>T on the coding strand, the complement: CASQ2 is on the minus strand). VCF-style: chr1-115701395-T-A. GRCh37 (hg19) VCF-style: chr1-116244016-T-A.
Other names: short protein forms D349V.
Identifiers: ClinVar variation 408870 (VCV000408870.14), dbSNP rs372865933, ClinGen allele CA1023625.
Genomic context (GRCh38, chr1:115,701,395, plus strand): 5'-TTTCCAGAAAGCACATCCTCAATCCAGTCCTCCAGCTCCTCAGCAGTTGGAAGATCGTCA[T>A]CATCTGGAATCTCCATCCAGACACTGTCAGCCTGCAGTGAGGGACAAAATGAATGAGTGG-3'
Protein context (NP_001223.2, residues 339-359): ADSVWMEIPD[Asp349Val]DDLPTAEELE

ClinVar aggregate classification (germline): Uncertain significance. Review status: criteria provided, multiple submitters, no conflicts (2 of 4 stars). 3 submissions from 3 submitters: Uncertain significance (3). Last evaluated 2025-09-30.

Conditions:
Catecholaminergic polymorphic ventricular tachycardia 2. Also called: CASQ2-Related Catecholaminergic Polymorphic Ventricular Tachycardia; VENTRICULAR TACHYCARDIA, STRESS-INDUCED POLYMORPHIC 2. Identifiers: Orphanet 3286, MedGen C2677794, MONDO:0012762, OMIM 611938.
Catecholaminergic polymorphic ventricular tachycardia 1. Also called: VENTRICULAR TACHYCARDIA, CATECHOLAMINERGIC POLYMORPHIC, 1, WITH OR WITHOUT ATRIAL DYSFUNCTION AND/OR DILATED CARDIOMYOPATHY; RYR2-Related Catecholaminergic Polymorphic Ventricular Tachycardia; VENTRICULAR TACHYCARDIA, STRESS-INDUCED POLYMORPHIC 1. Identifiers: Orphanet 3286, MedGen C1631597, MONDO:0011484, OMIM 604772.
Cardiovascular phenotype. Identifiers: MedGen CN230736.

Allele frequency attached by ClinVar (database versions not stated): gnomAD exomes 0.00001 and 0.00003; TOPMed 0.00001; gnomAD 0.00002; ExAC 0.00003; ESP Exome Variant Server 0.00015.
gnomAD v4.1: 26 of 1,613,772 alleles (0.0016%); highest among the groups gnomAD compares: Admixed American, 0.005%; no homozygotes.

Submissions (3):

Labcorp Genetics (formerly Invitae), Labcorp
Classification: Uncertain significance for Catecholaminergic polymorphic ventricular tachycardia 1. Last evaluated: 2025-09-30. Review status: criteria provided, single submitter. Criteria: Invitae Variant Classification Sherloc (09022015). Collection method: clinical testing. Allele origin: germline.
Comment: This sequence change replaces aspartic acid, which is acidic and polar, with valine, which is neutral and non-polar, at codon 349 of the CASQ2 protein (p.Asp349Val). This variant is present in population databases (rs372865933, gnomAD 0.06%). This variant has not been reported in the literature in individuals affected with CASQ2-related conditions. ClinVar contains an entry for this variant (Variation ID: 408870). Invitae Evidence Modeling of protein sequence and biophysical properties (such as structural, functional, and spatial information, amino acid conservation, physicochemical variation, residue mobility, and thermodynamic stability) indicates that this missense variant is not expected to disrupt CASQ2 protein function with a negative predictive value of 80%. In summary, the available evidence is currently insufficient to determine the role of this variant in disease. Therefore, it has been classified as a Variant of Uncertain Significance.

Ambry Genetics
Classification: Uncertain significance for Cardiovascular phenotype. Last evaluated: 2025-05-05. Review status: criteria provided, single submitter. Criteria: Ambry Variant Classification Scheme 2023. Collection method: clinical testing. Allele origin: germline.
Comment: The p.D349V variant (also known as c.1046A>T), located in coding exon 11 of the CASQ2 gene, results from an A to T substitution at nucleotide position 1046. The aspartic acid at codon 349 is replaced by valine, an amino acid with highly dissimilar properties. This amino acid position is highly conserved in available vertebrate species. In addition, the in silico prediction for this alteration is inconclusive. Since supporting evidence is limited at this time, the clinical significance of this alteration remains unclear.

Genome-Nilou Lab
Classification: Uncertain significance for Catecholaminergic polymorphic ventricular tachycardia 2. Last evaluated: 2023-04-11. Review status: criteria provided, single submitter. Criteria: ACMG Guidelines, 2015. Collection method: clinical testing. Allele origin: germline. Affected: no.